The following is an entry in ClinVar:

NM_000079.4(CHRNA1):c.370A>T (p.Lys124Ter)

Gene: CHRNA1 (cholinergic receptor nicotinic alpha 1 subunit; minus strand). Cytogenetic location: 2q31.1.
Variant type: single nucleotide variant.
Coding change: c.370A>T on transcript NM_000079.4 (MANE Select); coding-DNA position 370, A replaced by T.
Protein change: p.Lys124Ter; replaces lysine 124 with a stop codon.
Molecular consequence: nonsense.
Genome position (GRCh38, 1-based): chr2:174,754,389, T>A on the plus strand (A>T on the coding strand, the complement: CHRNA1 is on the minus strand). VCF-style: chr2-174754389-T-A. GRCh37 (hg19) VCF-style: chr2-175619117-T-A.
Other names: c.445A>T, p.Lys149Ter (NM_001039523.3); short protein forms K124*, K149*.
Identifiers: ClinVar variation 863215 (VCV000863215.8), dbSNP rs1683929269, ClinGen allele CA349341639.
Genomic context (GRCh38, chr2:174,754,389, plus strand): 5'-AGATGGCTGGAGGTGTCCACGTGATGTGGCCAGTGTACTGCAGGAGCACTTTGGTGAACT[T>A]GACAATAGCAAAGTCACCATCTGCACTACAATTGGGATAAAAGAGGAAAATGGCTCCAAG-3'

ClinVar aggregate classification (germline): Pathogenic/Likely pathogenic. Review status: criteria provided, multiple submitters, no conflicts (2 of 4 stars). 2 submissions from 2 submitters: Pathogenic (1); Likely pathogenic (1). Last evaluated 2024-09-05.

Conditions:
CHRNA1-related disorders.
Lethal multiple pterygium syndrome (LMPS). Identifiers: Orphanet 33108, MedGen C1854678, MONDO:0009668, OMIM 253290.

Submissions (2):

Labcorp Genetics (formerly Invitae), Labcorp
Classification: Pathogenic for Lethal multiple pterygium syndrome. Last evaluated: 2024-09-05. Review status: criteria provided, single submitter. Criteria: Invitae Variant Classification Sherloc (09022015). Collection method: clinical testing. Allele origin: germline.
Comment: This sequence change creates a premature translational stop signal (p.Lys124*) in the CHRNA1 gene. It is expected to result in an absent or disrupted protein product. Loss-of-function variants in CHRNA1 are known to be pathogenic (PMID: 14719537, 15907919, 18252226). This variant is not present in population databases (gnomAD no frequency). This variant has not been reported in the literature in individuals affected with CHRNA1-related conditions. ClinVar contains an entry for this variant (Variation ID: 863215). Algorithms developed to predict the effect of sequence changes on RNA splicing suggest that this variant may disrupt the consensus splice site. For these reasons, this variant has been classified as Pathogenic.

Blueprint Genetics
Classification: Likely pathogenic for CHRNA1-related disorders. Last evaluated: 2018-02-08. Review status: criteria provided, single submitter. Criteria: ACMG Guidelines, 2015. Collection method: clinical testing. Allele origin: germline. Affected: yes. Observed: 1 variant allele.

Literature cited by the submitters: PubMed 14719537 (cited by Labcorp Genetics (formerly Invitae), Labcorp); PubMed 15907919 (cited by Labcorp Genetics (formerly Invitae), Labcorp); PubMed 18252226 (cited by Labcorp Genetics (formerly Invitae), Labcorp).